The following is an entry in ClinVar:

NM_001365276.2(TNXB):c.9520G>A (p.Val3174Met)

Gene: TNXB (tenascin XB; minus strand). Cytogenetic location: 6p21.33.
Variant type: single nucleotide variant.
Coding change: c.9520G>A on transcript NM_001365276.2 (MANE Select); coding-DNA position 9520, G replaced by A.
Protein change: p.Val3174Met; replaces valine 3174 with methionine.
Molecular consequence: missense variant.
Genome position (GRCh38, 1-based): chr6:32,049,507, C>T on the plus strand (G>A on the coding strand, the complement: TNXB is on the minus strand). VCF-style: chr6-32049507-C-T. GRCh37 (hg19) VCF-style: chr6-32017284-C-T.
Other names: c.9514G>A, p.Val3172Met (NM_019105.8); short protein forms V3172M, V3174M.
Identifiers: ClinVar variation 1767231 (VCV001767231.2), dbSNP rs771755029, ClinGen allele CA3733496.

ClinVar aggregate classification (germline): Uncertain significance (1 of 4 stars; one submission).

Conditions:
Cardiovascular phenotype. Identifiers: MedGen CN230736.

Allele frequency attached by ClinVar (database versions not stated): gnomAD 0.00001; gnomAD exomes 0.00001; ExAC 0.00003.

Submission:

Ambry Genetics
Classification: Uncertain significance for Cardiovascular phenotype. Last evaluated: 2022-03-19. Review status: criteria provided, single submitter. Criteria: Ambry Variant Classification Scheme 2023. Collection method: clinical testing. Allele origin: germline.
Comment: The p.V3172M variant (also known as c.9514G>A), located in coding exon 27 of the TNXB gene, results from a G to A substitution at nucleotide position 9514. The valine at codon 3172 is replaced by methionine, an amino acid with highly similar properties. This amino acid position is conserved. In addition, this alteration is predicted to be tolerated by in silico analysis. Since supporting evidence is limited at this time, the clinical significance of this alteration remains unclear.